The following is an entry in ClinVar:

ClinVar aggregate classification (germline): Uncertain significance (1 of 4 stars; one submission).

gnomAD v4.1: 2 of 1,613,954 alleles (0.00012%); highest among the groups gnomAD compares: African/African-American, 0.0013%; no homozygotes.

Submission:

Labcorp Genetics (formerly Invitae), Labcorp
Classification: Uncertain significance. Last evaluated: 2022-04-09. Review status: criteria provided, single submitter. Criteria: Invitae Variant Classification Sherloc (09022015). Collection method: clinical testing. Allele origin: germline.
Comment: This variant is not present in population databases (gnomAD no frequency). This variant has not been reported in the literature in individuals affected with PLVAP-related conditions. Algorithms developed to predict the effect of missense changes on protein structure and function output the following: SIFT: "Tolerated"; PolyPhen-2: "Benign"; Align-GVGD: "Class C0". The aspartic acid amino acid residue is found in multiple mammalian species, which suggests that this missense change does not adversely affect protein function. In summary, the available evidence is currently insufficient to determine the role of this variant in disease. Therefore, it has been classified as a Variant of Uncertain Significance. This sequence change replaces glycine, which is neutral and non-polar, with aspartic acid, which is acidic and polar, at codon 16 of the PLVAP protein (p.Gly16Asp).

NM_031310.3(PLVAP):c.47G>A (p.Gly16Asp)

Gene: PLVAP (plasmalemma vesicle associated protein; minus strand). Cytogenetic location: 19p13.11.
Variant type: single nucleotide variant.
Coding change: c.47G>A on transcript NM_031310.3 (MANE Select); coding-DNA position 47, G replaced by A.
Protein change: p.Gly16Asp; replaces glycine 16 with aspartic acid.
Molecular consequence: missense variant.
Genome position (GRCh38, 1-based): chr19:17,377,242, C>T on the plus strand (G>A on the coding strand, the complement: PLVAP is on the minus strand). VCF-style: chr19-17377242-C-T. GRCh37 (hg19) VCF-style: chr19-17488051-C-T.
Other names: short protein forms G16D.
Identifiers: ClinVar variation 2099461 (VCV002099461.4), dbSNP rs2074600021, ClinGen allele CA404686834.